The following is an entry in ClinVar:

ClinVar aggregate classification (germline): Uncertain significance (1 of 4 stars; one submission).

gnomAD v4.1: 1 of 1,593,836 alleles (0.000063%); highest among the groups gnomAD compares: Non-Finnish European, 0.000085%; no homozygotes.

Submission:

GeneDx
Classification: Uncertain significance. Last evaluated: 2024-10-02. Review status: criteria provided, single submitter. Criteria: GeneDx Variant Classification Process June 2021. Collection method: clinical testing. Allele origin: germline. Affected: yes.
Comment: Not observed at significant frequency in large population cohorts (gnomAD); In silico analysis supports that this missense variant has a deleterious effect on protein structure/function; Has not been previously published as pathogenic or benign to our knowledge

NM_001690.4(ATP6V1A):c.31G>C (p.Asp11His)

Gene: ATP6V1A (ATPase H+ transporting V1 subunit A; plus strand). Cytogenetic location: 3q13.31.
Variant type: single nucleotide variant.
Coding change: c.31G>C on transcript NM_001690.4 (MANE Select); coding-DNA position 31, G replaced by C.
Protein change: p.Asp11His; replaces aspartic acid 11 with histidine.
Molecular consequence: missense variant.
Genome position (GRCh38, 1-based): chr3:113,778,784, G>C. VCF-style: chr3-113778784-G-C. GRCh37 (hg19) VCF-style: chr3-113497631-G-C.
Other names: short protein forms D11H.
Identifiers: ClinVar variation 3776358 (VCV003776358.1).